The following is an entry in ClinVar:

ClinVar aggregate classification (germline): Uncertain significance (1 of 4 stars; one submission).

Conditions:
Holoprosencephaly sequence (HPE). Also called: Holoprosencephaly. Identifiers: Orphanet 2162, MedGen C0079541, MONDO:0016296, HP:0001360.

Submission:

Labcorp Genetics (formerly Invitae), Labcorp
Classification: Uncertain significance for Holoprosencephaly sequence. Last evaluated: 2025-03-31. Review status: criteria provided, single submitter. Criteria: Invitae Variant Classification Sherloc (09022015). Collection method: clinical testing. Allele origin: germline.
Comment: This sequence change replaces alanine, which is neutral and non-polar, with threonine, which is neutral and polar, at codon 65 of the FOXH1 protein (p.Ala65Thr). This variant is not present in population databases (gnomAD no frequency). This variant has not been reported in the literature in individuals affected with FOXH1-related conditions. Invitae Evidence Modeling of protein sequence and biophysical properties (such as structural, functional, and spatial information, amino acid conservation, physicochemical variation, residue mobility, and thermodynamic stability) indicates that this missense variant is not expected to disrupt FOXH1 protein function with a negative predictive value of 80%. In summary, the available evidence is currently insufficient to determine the role of this variant in disease. Therefore, it has been classified as a Variant of Uncertain Significance.

NM_003923.3(FOXH1):c.193G>A (p.Ala65Thr)

Gene: FOXH1 (forkhead box H1; minus strand). Cytogenetic location: 8q24.3.
Variant type: single nucleotide variant.
Coding change: c.193G>A on transcript NM_003923.3 (MANE Select); coding-DNA position 193, G replaced by A.
Protein change: p.Ala65Thr; replaces alanine 65 with threonine.
Molecular consequence: missense variant.
Genome position (GRCh38, 1-based): chr8:144,475,243, C>T on the plus strand (G>A on the coding strand, the complement: FOXH1 is on the minus strand). VCF-style: chr8-144475243-C-T. GRCh37 (hg19) VCF-style: chr8-145700626-C-T.
Other names: short protein forms A65T.
Identifiers: ClinVar variation 4714522 (VCV004714522.1).